The following is an entry in ClinVar:

NM_005458.8(GABBR2):c.870G>A (p.Trp290Ter)

Gene: GABBR2 (gamma-aminobutyric acid type B receptor subunit 2; minus strand). Cytogenetic location: 9q22.33.
Variant type: single nucleotide variant.
Coding change: c.870G>A on transcript NM_005458.8 (MANE Select); coding-DNA position 870, G replaced by A.
Protein change: p.Trp290Ter; replaces tryptophan 290 with a stop codon.
Molecular consequence: nonsense.
Genome position (GRCh38, 1-based): chr9:98,473,275, C>T on the plus strand (G>A on the coding strand, the complement: GABBR2 is on the minus strand). VCF-style: chr9-98473275-C-T. GRCh37 (hg19) VCF-style: chr9-101235557-C-T.
Other names: short protein forms W290*.
Identifiers: ClinVar variation 3372100 (VCV003372100.1).
Genomic context (GRCh38, chr9:98,473,275, plus strand): 5'-GGCAGCAAGCAGATTCTTCCGGAGGCAGCGGGATGAGTTGGCTTCCGTGTGCACCTGCTC[C>T]CACCAAGAAGGCTCGTACCAGCCCGGAATGATCCACTGATATTTACTACCATACATGTTC-3'

ClinVar aggregate classification (germline): Uncertain significance (1 of 4 stars; one submission).

Submission:

GeneDx
Classification: Uncertain significance. Last evaluated: 2024-04-04. Review status: criteria provided, single submitter. Criteria: GeneDx Variant Classification Process June 2021. Collection method: clinical testing. Allele origin: germline. Affected: yes.
Comment: Not observed at significant frequency in large population cohorts (gnomAD); Nonsense variant predicted to result in protein truncation or nonsense mediated decay in a gene or region of a gene for which loss of function is not a well-established mechanism of disease; Has not been previously published as pathogenic or benign to our knowledge